The following is an entry in ClinVar:

NM_001606.5(ABCA2):c.3408C>T (p.Ile1136=)

Gene: ABCA2 (ATP binding cassette subfamily A member 2; minus strand). Cytogenetic location: 9q34.3.
Variant type: single nucleotide variant.
Coding change: c.3408C>T on transcript NM_001606.5 (MANE Select); coding-DNA position 3408, C replaced by T.
Protein change: p.Ile1136=; no amino-acid change (isoleucine 1136 retained).
Molecular consequence: synonymous variant.
Genome position (GRCh38, 1-based): chr9:137,015,781, G>A on the plus strand (C>T on the coding strand, the complement: ABCA2 is on the minus strand). VCF-style: chr9-137015781-G-A. GRCh37 (hg19) VCF-style: chr9-139910233-G-A.
Other names: c.3405C>T, p.Ile1135= (NM_001411042.1); c.3498C>T, p.Ile1166= (NM_212533.3).
Identifiers: ClinVar variation 5041190 (VCV005041190.1).

ClinVar aggregate classification (germline): Likely benign (1 of 4 stars; one submission).

gnomAD v4.1: 60 of 1,612,430 alleles (0.0037%); highest among the groups gnomAD compares: Admixed American, 0.053%; no homozygotes.

Submission:

CeGaT Center for Human Genetics Tuebingen
Classification: Likely benign. Last evaluated: 2026-09-01. Review status: criteria provided, single submitter. Criteria: CeGaT Center For Human Genetics Tuebingen Variant Classification Criteria Version 2. Collection method: clinical testing. Allele origin: germline. Affected: yes. Observed: 1 variant allele.
Comment: ABCA2: BP4, BP7